The following is an entry in ClinVar:

NM_019066.5(MAGEL2):c.2962dup (p.Ser988fs)

Gene: MAGEL2 (MAGE family member L2; minus strand). Cytogenetic location: 15q11.2.
Variant type: Duplication.
Coding change: c.2962dup on transcript NM_019066.5 (MANE Select); coding-DNA position 2962, one base duplicated (T; older notation c.2962dupT).
Protein change: p.Ser988fs; shifts the reading frame from serine 988.
Molecular consequence: frameshift variant.
Genome position (GRCh38, 1-based): chr15:23,644,781, A duplicated on the plus strand (T on the coding strand, the reverse complement: MAGEL2 is on the minus strand). VCF-style (leftmost placement, unchanged base first): chr15-23644780-G-GA. GRCh37 (hg19) VCF-style: chr15-23889927-G-GA.
Other names: short protein forms S988fs.
Identifiers: ClinVar variation 4994391 (VCV004994391.1).
Genomic context (GRCh38, chr15:23,644,780, plus strand): 5'-TCCTGGGTGGCACTGGATCCCGGAGAGACACTTGCGACCTCAGACACAACTACGGGCAGA[G>GA]AGCTCCCTGGGCTTTCAGAGAGACCCAGGGCCCTGGAGGTGCTCGGGCCCTCCCAGGCAC-3'

ClinVar aggregate classification (germline): Likely pathogenic (1 of 4 stars; one submission).

Conditions:
MAGEL2-related disorder. Also called: MAGEL2-related condition.

Submission:

PreventionGenetics, part of Exact Sciences
Classification: Likely pathogenic for MAGEL2-related condition. Last evaluated: 2026-06-16. Review status: criteria provided, single submitter. Criteria: ACMG Guidelines, 2015. Collection method: clinical testing. Allele origin: germline.
Comment: The MAGEL2 c.2962dupT variant is predicted to result in a frameshift and premature protein termination (p.Ser988Phefs*8). To our knowledge, this variant has not been reported in the literature or in a large population database (gnomAD), indicating this variant is rare. Frameshift variants in MAGEL2 are expected to be pathogenic. This variant is interpreted as likely pathogenic.